The following is an entry in ClinVar:

NM_015450.3(POT1):c.1164G>T (p.Leu388=)

Gene: POT1 (protection of telomeres 1; minus strand). Cytogenetic location: 7q31.33.
Variant type: single nucleotide variant.
Coding change: c.1164G>T on transcript NM_015450.3 (MANE Select); coding-DNA position 1164, G replaced by T.
Protein change: p.Leu388=; no amino-acid change (leucine 388 retained).
Molecular consequence: synonymous variant. On other transcripts: non-coding transcript variant (3).
Genome position (GRCh38, 1-based): chr7:124,841,178, C>A on the plus strand (G>T on the coding strand, the complement: POT1 is on the minus strand). VCF-style: chr7-124841178-C-A. GRCh37 (hg19) VCF-style: chr7-124481232-C-A.
Other names: c.771G>T, p.Leu257= (NM_001042594.2).
Identifiers: ClinVar variation 952437 (VCV000952437.14), dbSNP rs1405485811, ClinGen allele CA457482886.

ClinVar aggregate classification (germline): Conflicting classifications of pathogenicity. Review status: criteria provided, conflicting classifications (1 of 4 stars). 2 submissions from 2 submitters: Uncertain significance (1); Likely benign (1). Last evaluated 2026-02-04.

Conditions:
Tumor predisposition syndrome 3 (TPDS3). Also called: Melanoma, cutaneous malignant, susceptibility to, 10; Glioma susceptibility 9; LONG TELOMERE SYNDROME, POT1-RELATED; POT1 Tumor Predisposition. Identifiers: Orphanet 618, MedGen C4014476, MONDO:0014368, OMIM 615848.
Hereditary cancer-predisposing syndrome. Also called: Tumor predisposition; Hereditary Cancer Syndrome; Neoplastic Syndromes, Hereditary; Hereditary neoplastic syndrome. Identifiers: Orphanet 140162, MedGen C0027672, MeSH D009386, MONDO:0015356.

Submissions (2):

Labcorp Genetics (formerly Invitae), Labcorp
Classification: Uncertain significance for Tumor predisposition syndrome 3. Last evaluated: 2026-02-04. Review status: criteria provided, single submitter. Criteria: Invitae Variant Classification Sherloc (09022015). Collection method: clinical testing. Allele origin: germline.
Comment: This sequence change affects codon 388 of the POT1 mRNA. It is a 'silent' change, meaning that it does not change the encoded amino acid sequence of the POT1 protein. This variant is not present in population databases (gnomAD no frequency). This variant has not been reported in the literature in individuals affected with POT1-related conditions. ClinVar contains an entry for this variant (Variation ID: 952437). Algorithms developed to predict the effect of sequence changes on RNA splicing suggest that this variant may disrupt the consensus splice site. In summary, the available evidence is currently insufficient to determine the role of this variant in disease. Therefore, it has been classified as a Variant of Uncertain Significance.

Ambry Genetics
Classification: Likely benign for Hereditary cancer-predisposing syndrome. Last evaluated: 2025-06-26. Review status: criteria provided, single submitter. Criteria: Ambry Variant Classification Scheme 2023. Collection method: clinical testing. Allele origin: germline.